The following is an entry in ClinVar:

NM_001145358.2(SIN3A):c.224G>A (p.Gly75Glu)

Gene: SIN3A (SIN3 transcription regulator family member A; minus strand). Cytogenetic location: 15q24.2.
Variant type: single nucleotide variant.
Coding change: c.224G>A on transcript NM_001145358.2 (MANE Select); coding-DNA position 224, G replaced by A.
Protein change: p.Gly75Glu; replaces glycine 75 with glutamic acid.
Molecular consequence: missense variant.
Genome position (GRCh38, 1-based): chr15:75,422,789, C>T on the plus strand (G>A on the coding strand, the complement: SIN3A is on the minus strand). VCF-style: chr15-75422789-C-T. GRCh37 (hg19) VCF-style: chr15-75715130-C-T.
Other names: c.224G>A, p.Gly75Glu (NM_001145357.2, NM_015477.3); short protein forms G75E.
Identifiers: ClinVar variation 3767717 (VCV003767717.1).

ClinVar aggregate classification (germline): Uncertain significance (1 of 4 stars; one submission).

Submission:

GeneDx
Classification: Uncertain significance. Last evaluated: 2024-09-03. Review status: criteria provided, single submitter. Criteria: GeneDx Variant Classification Process June 2021. Collection method: clinical testing. Allele origin: germline. Affected: yes.
Comment: Not observed at significant frequency in large population cohorts (gnomAD); In silico analysis supports that this missense variant has a deleterious effect on protein structure/function; Has not been previously published as pathogenic or benign to our knowledge